The following is an entry in ClinVar:

NM_000157.4(GBA1):c.586A>C (p.Lys196Gln)

Genes: GBA1 (glucosylceramidase beta 1; minus strand), LOC106627981 (GBA recombination region; plus strand). Cytogenetic location: 1q22.
Variant type: single nucleotide variant.
Coding change: c.586A>C on transcript NM_000157.4 (MANE Select); coding-DNA position 586, A replaced by C.
Protein change: p.Lys196Gln; replaces lysine 196 with glutamine.
Molecular consequence: missense variant.
Genome position (GRCh38, 1-based): chr1:155,238,519, T>G on the plus strand (A>C on the coding strand, the complement: GBA1 is on the minus strand). VCF-style: chr1-155238519-T-G. GRCh37 (hg19) VCF-style: chr1-155208310-T-G.
Other names: K157Q; c.586A>C, p.Lys196Gln (NM_001005741.3, NM_001005742.3); c.325A>C, p.Lys109Gln (NM_001171811.2); c.439A>C, p.Lys147Gln (NM_001171812.2); c.586A>C (NM_000157.3); short protein forms K196Q, K109Q, K147Q.
Identifiers: ClinVar variation 4300 (VCV000004300.7), dbSNP rs121908297, ClinGen allele CA253067.

ClinVar aggregate classification (germline): Likely pathogenic. Review status: criteria provided, single submitter (1 of 4 stars). 5 submissions from 5 submitters: Likely pathogenic (1). 4 of the submissions do not count toward it. Last evaluated 2025-12-08.

Conditions:
Gaucher disease. Also called: Acute cerebral Gaucher disease; Cerebroside lipidosis syndrome; Gaucher splenomegaly; Sphingolipidosis 1; Glucocerebrosidosis; Glucosylceramidase deficiency. Identifiers: Orphanet 355, MedGen C0017205, MONDO:0018150.
Gaucher disease type I (GD1). Also called: GD 1; GAUCHER DISEASE, NONCEREBRAL JUVENILE; GBA DEFICIENCY; GD I; GLUCOCEREBROSIDASE DEFICIENCY; ACID BETA-GLUCOSIDASE DEFICIENCY. Identifiers: Orphanet 355, Orphanet 77259, MedGen C1961835, MONDO:0009265, OMIM 230800.

Allele frequency attached by ClinVar (database versions not stated): gnomAD 0.00001.

Submissions (5):

Natera, Inc.
Classification: Likely pathogenic for Gaucher disease. Last evaluated: 2025-12-08. Review status: criteria provided, single submitter. Criteria: Natera Variant Classification Schema (03/2026). Collection method: clinical testing. Allele origin: germline.
Comment: The c.586A>C variant in GBA1 is a missense variant predicted to cause substitution of lysine to glutamine at amino acid 196. This variant is rare in the general population with a frequency below the threshold expected for the associated phenotype(s). This variant has been observed in one or more individuals affected with the associated recessive disease, as either homozygous or compound heterozygous with a second variant (PMID: 1899336, 1864608). Functional studies show that this variant may disrupt protein function (PMID: 15916907, 18160322). Computational prediction algorithms indicate this variant is likely to affect gene or protein function. Given the available evidence, this variant is classified as Likely Pathogenic.

OMIM
Classification: Pathogenic for GAUCHER DISEASE, TYPE I. Last evaluated: 1991-07-01. Review status: no assertion criteria provided. Collection method: literature only. Allele origin: germline. Not counted in ClinVar's aggregate classification.

Clinical Genetics DNA and cytogenetics Diagnostics Lab, Erasmus MC, Erasmus Medical Center
Classification: Uncertain significance. Review status: no assertion criteria provided. Collection method: clinical testing. Allele origin: germline. Affected: yes. Study: VKGL Data-share Consensus. Not counted in ClinVar's aggregate classification.

Diagnostic Laboratory, Department of Genetics, University Medical Center Groningen
Classification: Uncertain significance. Review status: no assertion criteria provided. Collection method: clinical testing. Allele origin: germline. Affected: yes. Study: VKGL Data-share Consensus. Not counted in ClinVar's aggregate classification.

Laboratory of Diagnostic Genome Analysis, Leiden University Medical Center (LUMC)
Classification: Uncertain significance. Review status: no assertion criteria provided. Collection method: clinical testing. Allele origin: germline. Affected: yes. Study: VKGL Data-share Consensus. Not counted in ClinVar's aggregate classification.

Literature cited by the submitters: PubMed 1899336 (cited by Natera, Inc.); PubMed 1864608 (cited by Natera, Inc. and OMIM); PubMed 15916907 (cited by Natera, Inc.); PubMed 18160322 (cited by Natera, Inc.).